The following is an entry in ClinVar:

NM_015307.2(ENTREP2):c.376G>A (p.Gly126Ser)

Gene: ENTREP2 (endosomal transmembrane epsin interactor 2; minus strand). Cytogenetic location: 15q13.1.
Variant type: single nucleotide variant.
Coding change: c.376G>A on transcript NM_015307.2 (MANE Select); coding-DNA position 376, G replaced by A.
Protein change: p.Gly126Ser; replaces glycine 126 with serine.
Molecular consequence: missense variant.
Genome position (GRCh38, 1-based): chr15:29,252,379, C>T on the plus strand (G>A on the coding strand, the complement: ENTREP2 is on the minus strand). VCF-style: chr15-29252379-C-T. GRCh37 (hg19) VCF-style: chr15-29544583-C-T.
Other names: c.376G>A, p.Gly126Ser (NM_001387214.1); c.88G>A, p.Gly30Ser (NM_001387215.1, NM_001387216.1, NM_001387217.1); short protein forms G126S, G30S.
Identifiers: ClinVar variation 3845106 (VCV003845106.2).

ClinVar aggregate classification (germline): Uncertain significance. Review status: criteria provided, multiple submitters, no conflicts (2 of 4 stars). 2 submissions from 2 submitters: Uncertain significance (2). Last evaluated 2026-02-27.

Conditions:
Congenital portosystemic shunt. Identifiers: Orphanet 480531, MedGen C1290495, MONDO:0018811.

gnomAD v4.1: 50 of 1,549,514 alleles (0.0032%); highest among the groups gnomAD compares: East Asian, 0.12%; no homozygotes.

Submissions (2):

Department of Pediatrics, Graduate School of Medical Sciences, Kyushu University
Classification: Uncertain significance for Congenital portosystemic shunt. Last evaluated: 2026-02-27. Review status: criteria provided, single submitter. Criteria: ACMG Guidelines, 2015. Collection method: research. Allele origin: germline. Affected: yes.
Comment: Both variants are rare or absent in population databases such as gnomAD, and in silico prediction tools including CADD suggest potential deleterious effects. However, the relationship between this gene and CPSS has not been established. Therefore, the clinical significance of this variant is currently classified as a variant of uncertain significance (VUS).

Ambry Genetics
Classification: Uncertain significance. Last evaluated: 2025-02-07. Review status: criteria provided, single submitter. Criteria: Ambry Variant Classification Scheme 2023. Collection method: clinical testing. Allele origin: germline.